The following is an entry in ClinVar:

ClinVar aggregate classification (germline): Uncertain significance. Review status: criteria provided, multiple submitters, no conflicts (2 of 4 stars). 3 submissions from 3 submitters: Uncertain significance (3). Last evaluated 2025-06-17.

Conditions:
Hereditary cancer-predisposing syndrome. Also called: Hereditary Cancer Syndrome; Tumor predisposition; Neoplastic Syndromes, Hereditary; Hereditary neoplastic syndrome. Identifiers: Orphanet 140162, MedGen C0027672, MeSH D009386, MONDO:0015356.
Breast-ovarian cancer, familial, susceptibility to, 2 (BROVCA2). Also called: BRCA2 Hereditary Breast and Ovarian Cancer. Identifiers: Orphanet 145, MedGen C2675520, MONDO:0012933, OMIM 612555. Disease mechanism: loss of function.

Submissions (3):

St. Jude Molecular Pathology, St. Jude Children's Research Hospital
Classification: Uncertain significance for Breast-ovarian cancer, familial, susceptibility to, 2. Last evaluated: 2025-06-17. Review status: criteria provided, single submitter. Criteria: St. Jude Assertion Criteria 2020. Collection method: clinical testing. Allele origin: germline.
Comment: The BRCA2 c.610C>G p.(Leu204Val) missense change is absent in gnomAD v2.1.1. The in silico tool REVEL predicts a benign effect on protein function, but to our knowledge this prediction has not been confirmed by functional studies. To our knowledge, this variant has not been reported as pathogenic in individuals with BRCA2-related disease. In summary, the evidence currently available is insufficient to determine the clinical significance of this variant. It has therefore been classified as of uncertain significance.

Quest Diagnostics Nichols Institute San Juan Capistrano
Classification: Uncertain significance. Last evaluated: 2025-05-19. Review status: criteria provided, single submitter. Criteria: Quest Diagnostics criteria. Collection method: clinical testing. Allele origin: unknown.
Comment: The BRCA2 c.610C>G (p.Leu204Val) variant has not been reported in individuals with BRCA2-related conditions in the published literature. It also has not been reported in large, multi-ethnic general populations (Genome Aggregation Database). Analysis of this variant using bioinformatics tools for the prediction of the effect of amino acid changes on protein structure and function yielded conflicting predictions that this variant is benign or damaging. Based on the available information, we are unable to determine the clinical significance of this variant.

Ambry Genetics
Classification: Uncertain significance for Hereditary cancer-predisposing syndrome. Last evaluated: 2023-01-13. Review status: criteria provided, single submitter. Criteria: Ambry Variant Classification Scheme 2023. Collection method: clinical testing. Allele origin: germline.
Comment: The p.L204V variant (also known as c.610C>G), located in coding exon 6 of the BRCA2 gene, results from a C to G substitution at nucleotide position 610. The leucine at codon 204 is replaced by valine, an amino acid with highly similar properties. This amino acid position is well conserved in available vertebrate species. In addition, this alteration is predicted to be tolerated by in silico analysis. Since supporting evidence is limited at this time, the clinical significance of this alteration remains unclear.

NM_000059.4(BRCA2):c.610C>G (p.Leu204Val)

Gene: BRCA2 (BRCA2 DNA repair associated; plus strand). Cytogenetic location: 13q13.1.
Variant type: single nucleotide variant.
Coding change: c.610C>G on transcript NM_000059.4 (MANE Select); coding-DNA position 610, C replaced by G.
Protein change: p.Leu204Val; replaces leucine 204 with valine.
Molecular consequence: missense variant. On other transcripts: non-coding transcript variant (1).
Genome position (GRCh38, 1-based): chr13:32,326,592, C>G. VCF-style: chr13-32326592-C-G. GRCh37 (hg19) VCF-style: chr13-32900729-C-G.
Other names: c.610C>G, p.Leu204Val (NM_001406719.1, NM_001406720.1, NM_001406721.1); c.241C>G, p.Leu81Val (NM_001406722.1); short protein forms L204V, L81V.
Identifiers: ClinVar variation 3227822 (VCV003227822.4), dbSNP rs2548515799, ClinGen allele CA387758272.
Genomic context (GRCh38, chr13:32,326,592, plus strand): 5'-CTAGGAGCTGAGGTGGATCCTGATATGTCTTGGTCAAGTTCTTTAGCTACACCACCCACC[C>G]TTAGTTCTACTGTGCTCATAGGTAATAATAGCAAATGTGTATTTACAAGAAAGAGCAGAT-3'
Protein context (NP_000050.3, residues 194-214): WSSSLATPPT[Leu204Val]SSTVLIVRNE